The following is an entry in ClinVar:

ClinVar aggregate classification (germline): Likely benign. Review status: criteria provided, multiple submitters, no conflicts (2 of 4 stars). 3 submissions from 3 submitters: Likely benign (3). Last evaluated 2022-09-30.

Conditions:
Familial thoracic aortic aneurysm and aortic dissection (TAAD). Also called: Thoracic aortic aneurysms and dissections. Identifiers: Orphanet 91387, MedGen C4707243, MONDO:0019625.
Adams-Oliver syndrome 5 (AOS5). Identifiers: Orphanet 974, MedGen C4014970, MONDO:0014459, OMIM 616028.

Allele frequency attached by ClinVar (database versions not stated): gnomAD exomes 0.00001.
gnomAD v4.1: 11 of 1,605,490 alleles (0.00069%); highest among the groups gnomAD compares: Non-Finnish European, 0.00093%; no homozygotes.

Submissions (3):

Labcorp Genetics (formerly Invitae), Labcorp
Classification: Likely benign for Adams-Oliver syndrome 5. Last evaluated: 2022-09-30. Review status: criteria provided, single submitter. Criteria: Invitae Variant Classification Sherloc (09022015). Collection method: clinical testing. Allele origin: germline.

Ambry Genetics
Classification: Likely benign for Familial thoracic aortic aneurysm and aortic dissection. Last evaluated: 2022-09-05. Review status: criteria provided, single submitter. Criteria: Ambry Variant Classification Scheme 2023. Collection method: clinical testing. Allele origin: germline.

GeneDx
Classification: Likely benign. Last evaluated: 2017-06-06. Review status: criteria provided, single submitter. Criteria: GeneDx Variant Classification (06012015). Collection method: clinical testing. Allele origin: germline. Affected: yes.
Comment: This variant is considered likely benign or benign based on one or more of the following criteria: it is a conservative change, it occurs at a poorly conserved position in the protein, it is predicted to be benign by multiple in silico algorithms, and/or has population frequency not consistent with disease.

NM_017617.5(NOTCH1):c.456T>C (p.Gly152=)

Gene: NOTCH1 (notch receptor 1; minus strand). Cytogenetic location: 9q34.3.
Variant type: single nucleotide variant.
Coding change: c.456T>C on transcript NM_017617.5 (MANE Select); coding-DNA position 456, T replaced by C.
Protein change: p.Gly152=; no amino-acid change (glycine 152 retained).
Molecular consequence: synonymous variant.
Genome position (GRCh38, 1-based): chr9:136,523,136, A>G on the plus strand (T>C on the coding strand, the complement: NOTCH1 is on the minus strand). VCF-style: chr9-136523136-A-G. GRCh37 (hg19) VCF-style: chr9-139417588-A-G.
Other names: c.456T>C, p.Gly152= (LRG_1122t1).
Identifiers: ClinVar variation 509841 (VCV000509841.7), dbSNP rs1044385750, ClinGen allele CA467834312.
Genomic context (GRCh38, chr9:136,523,136, plus strand): 5'-GCCATGGAAGCTGGGTGGGCAGTGGCAGATGTAGGAGGCCTCGAAGGGCAGGCACTGGCC[A>G]CCGTTGGCGCAGGGGTTGGAGGCGCACGGGTCAGCCTGCTGGCACGATTTCCCTGGAGAC-3'
Protein context (NP_060087.3, residues 142-162): DPCASNPCAN[Gly152=]GQCLPFEASY